The following is an entry in ClinVar:

NM_000388.4(CASR):c.680G>T (p.Arg227Leu)

Gene: CASR (calcium sensing receptor; plus strand). Cytogenetic location: 3q21.1.
Variant type: single nucleotide variant.
Coding change: c.680G>T on transcript NM_000388.4 (MANE Select); coding-DNA position 680, G replaced by T.
Protein change: p.Arg227Leu; replaces arginine 227 with leucine.
Molecular consequence: missense variant.
Genome position (GRCh38, 1-based): chr3:122,261,715, G>T. VCF-style: chr3-122261715-G-T. GRCh37 (hg19) VCF-style: chr3-121980562-G-T.
Other names: p.Arg227Leu; c.680G>T (NM_001178065.1, NM_000388.3); c.680G>T, p.Arg227Leu (NM_001178065.2); short protein forms R227L.
Identifiers: ClinVar variation 8317 (VCV000008317.15), dbSNP rs28936684, ClinGen allele CA119475.

ClinVar aggregate classification (germline): Pathogenic. Review status: criteria provided, multiple submitters, no conflicts (2 of 4 stars). 6 submissions from 6 submitters: Pathogenic (4). 2 of the submissions do not count toward it. Last evaluated 2025-11-06.

Conditions:
Neonatal severe primary hyperparathyroidism. Identifiers: Orphanet 417, MedGen C1832615, MONDO:0009397, OMIM 239200.
CASR-related disorder. Also called: CASR-related condition.
Familial hypocalciuric hypercalcemia (FHH). Also called: Familial benign hypercalcemia. Identifiers: Orphanet 405, MedGen C1809471, MONDO:0018458.
Autosomal dominant hypocalcemia 1 (HYPOC1). Also called: HYPOCALCEMIA, FAMILIAL. Identifiers: MedGen C3715128, MONDO:0011013, OMIM 601198.

Submissions (6):

Athena Diagnostics
Classification: Pathogenic. Last evaluated: 2025-11-06. Review status: criteria provided, single submitter. Criteria: Athena Diagnostics Criteria. Collection method: clinical testing. Allele origin: unknown.
Comment: This variant has not been reported in large, multi-ethnic general populations. This variant has been identified in individuals with familial hypocalciuric hypercalcemia and neonatal hyperparathyroidism, including one confirmed de novo case. Multiple missense variants at this codon, including at least one considered to be pathogenic or likely pathogenic, have been reported in individuals with clinical features associated with this gene, suggesting this variant may also cause disease. Assessment of experimental evidence suggests this variant results in abnormal protein function. (PMID: 8878438, 15572418, 27666534)

Women's Health and Genetics/Laboratory Corporation of America, LabCorp
Classification: Pathogenic for Neonatal severe primary hyperparathyroidism. Last evaluated: 2024-07-03. Review status: criteria provided, single submitter. Criteria: LabCorp Variant Classification Summary - May 2015. Collection method: clinical testing. Allele origin: germline.
Comment: Variant summary: CASR c.680G>T (p.Arg227Leu) results in a non-conservative amino acid change located in the Receptor, ligand binding region (IPR001828) of the encoded protein sequence. Three of five in-silico tools predict a damaging effect of the variant on protein function. The variant was absent in 250970 control chromosomes (gnomAD). c.680G>T has been reported in the literature in an individual affected with Neonatal Hyperparathyroidism as a de novo occurrence (Pearce_1995), as well as in an individual affected with Familial Hypocalciuric Hypercalcemia (Veldeman_2020). These data indicate that the variant is likely to be associated with disease. At least one publication reports experimental evidence evaluating an impact on protein function, finding that the variant results in impaired MAPK response to extracellular calcium levels (Wystrychowski_2005). The following publications have been ascertained in the context of this evaluation (PMID: 8675635, 15572418, 32306059). ClinVar contains an entry for this variant (Variation ID: 8317). Based on the evidence outlined above, the variant was classified as pathogenic.

Mayo Clinic Laboratories, Mayo Clinic
Classification: Pathogenic. Last evaluated: 2023-11-21. Review status: criteria provided, single submitter. Criteria: ACMG Guidelines, 2015. Collection method: clinical testing. Allele origin: germline. Observed: 1 variant allele.
Comment: PP2, PM2, PM5, PS2_supporting, PS3, PS4_moderate

Labcorp Genetics (formerly Invitae), Labcorp
Classification: Pathogenic for Familial hypocalciuric hypercalcemia; Autosomal dominant hypocalcemia 1. Last evaluated: 2022-05-09. Review status: criteria provided, single submitter. Criteria: Invitae Variant Classification Sherloc (09022015). Collection method: clinical testing. Allele origin: germline.
Comment: This variant disrupts the p.227 amino acid residue in CASR. Other variant(s) that disrupt this residue have been determined to be pathogenic (PMID: 1302026, 7726161, 15572418, 22422767, 26963950). This suggests that this residue is clinically significant, and that variants that disrupt this residue are likely to be disease-causing. Experimental studies have shown that this missense change affects CASR function (PMID: 8878438, 15572418, 27666534). Algorithms developed to predict the effect of missense changes on protein structure and function (SIFT, PolyPhen-2, Align-GVGD) all suggest that this variant is likely to be disruptive. ClinVar contains an entry for this variant (Variation ID: 8317). This missense change has been observed in individual(s) with familial hypocalciuric hypercalcemia, and neonatal hyperparathyroidism (PMID: 8675635, 26963950). This variant is not present in population databases (gnomAD no frequency). This sequence change replaces arginine, which is basic and polar, with leucine, which is neutral and non-polar, at codon 227 of the CASR protein (p.Arg227Leu). For these reasons, this variant has been classified as Pathogenic.

PreventionGenetics, part of Exact Sciences
Classification: Pathogenic for CASR-related condition. Last evaluated: 2024-01-17. Review status: no assertion criteria provided. Collection method: clinical testing. Allele origin: germline. Not counted in ClinVar's aggregate classification.
Comment: The CASR c.680G>T variant is predicted to result in the amino acid substitution p.Arg227Leu. This variant was first reported to occur de novo in a patient with neonatal hyperparathyroidism (NHPT) (Pearce et al 1995. PubMed ID: 8675635) and was also reported in an individual with familial hypocalciuric hypercalcemia (Vargas-Poussou et al. 2016. PubMed ID: 26963950). At PreventionGenetics, we have observed the c.680G>T variant in two unrelated individuals with features of familial hypocalciuric hypercalcemia (internal data). In addition, multiple functional studies demonstrated the inactivating effect of this substitution (Wystrychowski A et al 2004. PubMed ID: 15572418; Lu JY et al 2009. PubMed ID: 19759318; Glaudo M et al 2016. PubMed ID: 27666534). ﻿This variant has not been reported in a large population database, indicating this variant is rare. This variant is interpreted as pathogenic.

OMIM
Classification: Pathogenic for HYPERPARATHYROIDISM, NEONATAL SEVERE. Last evaluated: 2005-02-01. Review status: no assertion criteria provided. Collection method: literature only. Allele origin: germline. Not counted in ClinVar's aggregate classification.

Literature cited by the submitters: PubMed 32306059 (cited by 3 submitters); PubMed 27666534 (cited by 3 submitters); PubMed 8675635 (cited by 5 submitters); PubMed 15572418 (cited by 5 submitters); PubMed 19759318 (cited by Athena Diagnostics and Mayo Clinic Laboratories, Mayo Clinic); PubMed 8878438 (cited by 3 submitters); PubMed 26963950 (cited by Mayo Clinic Laboratories, Mayo Clinic and Labcorp Genetics (formerly Invitae), Labcorp); PubMed 1302026 (cited by Labcorp Genetics (formerly Invitae), Labcorp); PubMed 7726161 (cited by Labcorp Genetics (formerly Invitae), Labcorp); PubMed 22422767 (cited by Labcorp Genetics (formerly Invitae), Labcorp).